The following is an entry in ClinVar:

ClinVar aggregate classification (germline): Uncertain significance (1 of 4 stars; one submission).

Conditions:
Jeune thoracic dystrophy. Also called: Jeune syndrome; Infantile thoracic dystrophy; Thoracic pelvic phalangeal dystrophy; Jeune's syndrome; Chondroectodermal dysplasia-like syndrome; Short-rib thoracic dysplasia. Identifiers: Orphanet 474, MedGen C0265275, MONDO:0018770.

gnomAD v4.1: 2 of 1,613,202 alleles (0.00012%); highest among the groups gnomAD compares: Admixed American, 0.0033%; no homozygotes.

Submission:

Labcorp Genetics (formerly Invitae), Labcorp
Classification: Uncertain significance for Jeune thoracic dystrophy. Last evaluated: 2024-02-23. Review status: criteria provided, single submitter. Criteria: Invitae Variant Classification Sherloc (09022015). Collection method: clinical testing. Allele origin: germline.
Comment: This sequence change replaces glutamine, which is neutral and polar, with leucine, which is neutral and non-polar, at codon 1513 of the DYNC2H1 protein (p.Gln1513Leu). This variant is present in population databases (no rsID available, gnomAD 0.006%). This variant has not been reported in the literature in individuals affected with DYNC2H1-related conditions. Advanced modeling of protein sequence and biophysical properties (such as structural, functional, and spatial information, amino acid conservation, physicochemical variation, residue mobility, and thermodynamic stability) performed at Invitae indicates that this missense variant is not expected to disrupt DYNC2H1 protein function with a negative predictive value of 95%. In summary, the available evidence is currently insufficient to determine the role of this variant in disease. Therefore, it has been classified as a Variant of Uncertain Significance.

NM_001377.3(DYNC2H1):c.4538A>T (p.Gln1513Leu)

Gene: DYNC2H1 (dynein cytoplasmic 2 heavy chain 1; plus strand). Cytogenetic location: 11q22.3.
Variant type: single nucleotide variant.
Coding change: c.4538A>T on transcript NM_001377.3 (MANE Select); coding-DNA position 4538, A replaced by T.
Protein change: p.Gln1513Leu; replaces glutamine 1513 with leucine.
Molecular consequence: missense variant.
Genome position (GRCh38, 1-based): chr11:103,163,074, A>T. VCF-style: chr11-103163074-A-T. GRCh37 (hg19) VCF-style: chr11-103033803-A-T.
Other names: c.4538A>T, p.Gln1513Leu (NM_001080463.2); short protein forms Q1513L.
Identifiers: ClinVar variation 3677625 (VCV003677625.2).